The following is an entry in ClinVar:

ClinVar aggregate classification (germline): Likely benign (1 of 4 stars; one submission).

Conditions:
LRRC45-related disorder. Also called: LRRC45-related condition.

gnomAD v4.1: 42 of 1,612,458 alleles (0.0026%); highest among the groups gnomAD compares: Non-Finnish European, 0.0022%; no homozygotes.

Submissions (2):

PreventionGenetics, part of Exact Sciences
Classification: Likely benign for LRRC45-related condition. Last evaluated: 2026-08-04. Review status: criteria provided, single submitter. Criteria: ACMG Guidelines, 2015. Collection method: clinical testing. Allele origin: germline.
Comment: This variant is classified as likely benign based on ACMG/AMP sequence variant interpretation guidelines (Richards et al. 2015 PMID: 25741868, with internal and published modifications).

Dr. Peter K. Rogan Lab, Western University
No classification provided (evidence only). Condition: Cervical cancer. Review status: no classification provided. Collection method: in vitro. Allele origin: not applicable. Functional consequence: retained intron. Not counted in ClinVar's aggregate classification.

NM_144999.4(LRRC45):c.775-10C>G

Gene: LRRC45 (leucine rich repeat containing 45; plus strand). Cytogenetic location: 17q25.3.
Variant type: single nucleotide variant.
Coding change: c.775-10C>G on transcript NM_144999.4 (MANE Select); 10 bases into the intron before coding-DNA position 775, C replaced by G.
Molecular consequence: intron variant.
Genome position (GRCh38, 1-based): chr17:82,027,376, C>G. VCF-style: chr17-82027376-C-G. GRCh37 (hg19) VCF-style: chr17-79985252-C-G.
Other names: NC_000017.10:g.79985252C>G; c.775-10C>G (NM_144999.3).
Identifiers: ClinVar variation 4429287 (VCV004429287.2).
Genomic context (GRCh38, chr17:82,027,376, plus strand): 5'-TTCCCCCTGAGAAGGTCAGGTGGACAGGCTGCAGGTGCCCTGACAGGGCTGCGGCTGTCT[C>G]TGTCCCCAGTTCCTCGACTTGATGGAGACTATTGATAAGCAGCGAGAAGAGATGGCCAAG-3'